The following is an entry in ClinVar:

NM_018105.3(THAP1):c.421G>A (p.Asp141Asn)

Gene: THAP1 (THAP domain containing 1; minus strand). Cytogenetic location: 8p11.21.
Variant type: single nucleotide variant.
Coding change: c.421G>A on transcript NM_018105.3 (MANE Select); coding-DNA position 421, G replaced by A.
Protein change: p.Asp141Asn; replaces aspartic acid 141 with asparagine.
Molecular consequence: missense variant. On other transcripts: 3 prime UTR variant (1).
Genome position (GRCh38, 1-based): chr8:42,838,183, C>T on the plus strand (G>A on the coding strand, the complement: THAP1 is on the minus strand). VCF-style: chr8-42838183-C-T. GRCh37 (hg19) VCF-style: chr8-42693326-C-T.
Other names: R306C; p.Asp141Asn; c.*63G>A (NM_199003.2); short protein forms D141N.
Identifiers: ClinVar variation 448685 (VCV000448685.8), dbSNP rs138345513, ClinGen allele CA4734543.

ClinVar aggregate classification (germline): Benign/Likely benign. Review status: criteria provided, multiple submitters, no conflicts (2 of 4 stars). 4 submissions from 4 submitters: Benign (2); Likely benign (1). 1 of the submissions does not count toward it. Last evaluated 2024-10-18.

Conditions:
Multiple mitochondrial dysfunctions syndrome 9b. Identifiers: MedGen C5935635, MONDO:0971174, OMIM 620887.
Torsion dystonia 6 (DYT6). Also called: DYT-THAP1. Identifiers: Orphanet 98806, MedGen C1414216, MONDO:0011264, OMIM 602629.

Allele frequency attached by ClinVar (database versions not stated): gnomAD exomes 0.00011; ExAC 0.00012; 1000 Genomes Project 0.00020; gnomAD 0.00042 and 0.00045; ESP Exome Variant Server 0.00046; 1000 Genomes Project 30x 0.00047; TOPMed 0.00051.
gnomAD v4.1: 131 of 1,614,102 alleles (0.0081%); highest among the groups gnomAD compares: African/African-American, 0.15%; 1 homozygote.

Submissions (4):

Mayo Clinic Laboratories, Mayo Clinic
Classification: Benign. Last evaluated: 2024-10-18. Review status: criteria provided, single submitter. Criteria: ACMG Guidelines, 2015. Collection method: clinical testing. Allele origin: germline. Observed: 1 variant allele.
Comment: BS1, BS2

Labcorp Genetics (formerly Invitae), Labcorp
Classification: Likely benign for Torsion dystonia 6. Last evaluated: 2023-11-17. Review status: criteria provided, single submitter. Criteria: Invitae Variant Classification Sherloc (09022015). Collection method: clinical testing. Allele origin: germline.

Athena Diagnostics
Classification: Benign. Last evaluated: 2016-09-26. Review status: criteria provided, single submitter. Criteria: Athena Diagnostics Criteria. Collection method: clinical testing. Allele origin: germline.

OMIM
Classification: Pathogenic for MULTIPLE MITOCHONDRIAL DYSFUNCTIONS SYNDROME 9B. Last evaluated: 2024-07-16. Review status: no assertion criteria provided. Collection method: literature only. Allele origin: germline. Not counted in ClinVar's aggregate classification.

Literature cited by the submitters: PubMed 37481223 (cited by OMIM).